The following is an entry in ClinVar:

NM_000784.4(CYP27A1):c.233C>G (p.Ala78Gly)

Gene: CYP27A1 (cytochrome P450 family 27 subfamily A member 1; plus strand). Cytogenetic location: 2q35.
Variant type: single nucleotide variant.
Coding change: c.233C>G on transcript NM_000784.4 (MANE Select); coding-DNA position 233, C replaced by G.
Protein change: p.Ala78Gly; replaces alanine 78 with glycine.
Molecular consequence: missense variant.
Genome position (GRCh38, 1-based): chr2:218,782,415, C>G. VCF-style: chr2-218782415-C-G. GRCh37 (hg19) VCF-style: chr2-219647138-C-G.
Other names: short protein forms A78G.
Identifiers: ClinVar variation 1372806 (VCV001372806.6), dbSNP rs867496731, ClinGen allele CA350576952.
Genomic context (GRCh38, chr2:218,782,415, plus strand): 5'-AGGAGATTCCACGTCTAGGACAGCTGCGCTTCTTCTTTCAGCTGTTCGTTCAAGGCTATG[C>G]CCTGCAACTGCACCAGTTACAGGTAACCCGCGGGGGCATCGCGTCCTGGGGATGGGAGTG-3'
Protein context (NP_000775.1, residues 68-88): FFFQLFVQGY[Ala78Gly]LQLHQLQVLY

ClinVar aggregate classification (germline): Uncertain significance (1 of 4 stars; one submission).

Conditions:
Cholestanol storage disease (CTX). Also called: CEREBRAL CHOLESTERINOSIS; Cerebrotendinous Xanthomatosis; CTX: Cerebrotendinous xanthomatosis. Identifiers: Orphanet 909, MedGen C0238052, MONDO:0008948, OMIM 213700.

Submission:

Labcorp Genetics (formerly Invitae), Labcorp
Classification: Uncertain significance for Cholestanol storage disease. Last evaluated: 2023-07-21. Review status: criteria provided, single submitter. Criteria: Invitae Variant Classification Sherloc (09022015). Collection method: clinical testing. Allele origin: germline.
Comment: In summary, the available evidence is currently insufficient to determine the role of this variant in disease. Therefore, it has been classified as a Variant of Uncertain Significance. Advanced modeling of protein sequence and biophysical properties (such as structural, functional, and spatial information, amino acid conservation, physicochemical variation, residue mobility, and thermodynamic stability) performed at Invitae indicates that this missense variant is not expected to disrupt CYP27A1 protein function. ClinVar contains an entry for this variant (Variation ID: 1372806). This variant has not been reported in the literature in individuals affected with CYP27A1-related conditions. This variant is not present in population databases (gnomAD no frequency). This sequence change replaces alanine, which is neutral and non-polar, with glycine, which is neutral and non-polar, at codon 78 of the CYP27A1 protein (p.Ala78Gly).